The following is an entry in ClinVar:

ClinVar aggregate classification (germline): Likely benign (1 of 4 stars; one submission).

gnomAD v4.1: 1 of 1,614,184 alleles (0.000062%); no homozygotes.

Submission:

CeGaT Center for Human Genetics Tuebingen
Classification: Likely benign. Last evaluated: 2026-06-01. Review status: criteria provided, single submitter. Criteria: CeGaT Center For Human Genetics Tuebingen Variant Classification Criteria Version 2. Collection method: clinical testing. Allele origin: germline. Affected: yes. Observed: 1 variant allele.
Comment: SBF2: BP4, BP7

NM_030962.4(SBF2):c.3399A>G (p.Ser1133=)

Genes: SBF2 (SET binding factor 2; minus strand), LOC101928008 (uncharacterized LOC101928008; plus strand). Cytogenetic location: 11p15.4.
Variant type: single nucleotide variant.
Coding change: c.3399A>G on transcript NM_030962.4 (MANE Select); coding-DNA position 3399, A replaced by G.
Protein change: p.Ser1133=; no amino-acid change (serine 1133 retained).
Molecular consequence: synonymous variant.
Genome position (GRCh38, 1-based): chr11:9,839,554, T>C on the plus strand (A>G on the coding strand, the complement: SBF2 is on the minus strand). VCF-style: chr11-9839554-T-C. GRCh37 (hg19) VCF-style: chr11-9861101-T-C.
Other names: c.3399A>G, p.Ser1133= (NM_001386339.1); c.3270A>G, p.Ser1090= (NM_001386342.1); c.3435A>G, p.Ser1145= (NM_001424318.1, NM_001425069.1, NM_001425070.1).
Identifiers: ClinVar variation 4874200 (VCV004874200.2).
Genomic context (GRCh38, chr11:9,839,554, plus strand): 5'-TTACCTCCGGCAGAGTGAATACATCCTGTTGGAGGCAGTAATTCTAAAATACTCGGGTCT[T>C]GAACGGGAAGAGCTGCCACTTATGGTTCCTAAACCTAAACGCTGATAGTCTCTGAAACAA-3'
Protein context (NP_112224.1, residues 1123-1143): LGTISGSSSR[Ser1133=]RPEYFRITAS